The following is an entry in ClinVar:

ClinVar aggregate classification (germline): Uncertain significance. Review status: criteria provided, multiple submitters, no conflicts (2 of 4 stars). 4 submissions from 4 submitters: Uncertain significance (4). Last evaluated 2024-02-06.

Conditions:
Inborn genetic diseases. Identifiers: MedGen C0950123, MeSH D030342.

Allele frequency attached by ClinVar (database versions not stated): gnomAD exomes 0.00004 and 0.00013; gnomAD 0.00005 and 0.00006; TOPMed 0.00005; ExAC 0.00006.
gnomAD v4.1: 195 of 1,607,226 alleles (0.012%); highest among the groups gnomAD compares: Non-Finnish European, 0.016%; no homozygotes.

Submissions (4):

Ambry Genetics
Classification: Uncertain significance for Inborn genetic diseases. Last evaluated: 2024-02-06. Review status: criteria provided, single submitter. Criteria: Ambry Variant Classification Scheme 2023. Collection method: clinical testing. Allele origin: germline.

GeneDx
Classification: Uncertain significance. Last evaluated: 2022-01-10. Review status: criteria provided, single submitter. Criteria: GeneDx Variant Classification Process June 2021. Collection method: clinical testing. Allele origin: germline. Affected: yes.
Comment: In silico analysis supports that this missense variant does not alter protein structure/function; Has not been previously published as pathogenic or benign to our knowledge

Labcorp Genetics (formerly Invitae), Labcorp
Classification: Uncertain significance. Last evaluated: 2021-09-01. Review status: criteria provided, single submitter. Criteria: Invitae Variant Classification Sherloc (09022015). Collection method: clinical testing. Allele origin: germline.

Laboratory for Molecular Medicine, Mass General Brigham Personalized Medicine
Classification: Uncertain significance. Last evaluated: 2016-03-23. Review status: criteria provided, single submitter. Criteria: LMM Criteria. Collection method: clinical testing. Allele origin: germline. Observed: 2 variant alleles.
Comment: proposed classification - variant undergoing re-assessment, contact laboratory

NM_005422.4(TECTA):c.5296G>A (p.Val1766Met)

Genes: TBCEL-TECTA (TBCEL-TECTA readthrough; plus strand), TECTA (tectorin alpha; plus strand). Cytogenetic location: 11q23.3.
Variant type: single nucleotide variant.
Coding change: c.5296G>A on transcript NM_005422.4 (MANE Select); coding-DNA position 5296, G replaced by A.
Protein change: p.Val1766Met; replaces valine 1766 with methionine.
Molecular consequence: missense variant.
Genome position (GRCh38, 1-based): chr11:121,165,296, G>A. VCF-style: chr11-121165296-G-A. GRCh37 (hg19) VCF-style: chr11-121036005-G-A.
Other names: c.6238G>A, p.Val2080Met (NM_001378761.1); short protein forms V1766M, V2080M.
Identifiers: ClinVar variation 229305 (VCV000229305.11), dbSNP rs781245536, ClinGen allele CA6327697.